The following is an entry in ClinVar:

NM_000130.5(F5):c.6606T>A (p.Arg2202=)

Gene: F5 (coagulation factor V; minus strand). Cytogenetic location: 1q24.2.
Variant type: single nucleotide variant.
Coding change: c.6606T>A on transcript NM_000130.5 (MANE Select); coding-DNA position 6606, T replaced by A.
Protein change: p.Arg2202=; no amino-acid change (arginine 2202 retained).
Molecular consequence: synonymous variant.
Genome position (GRCh38, 1-based): chr1:169,514,382, A>T on the plus strand (T>A on the coding strand, the complement: F5 is on the minus strand). VCF-style: chr1-169514382-A-T. GRCh37 (hg19) VCF-style: chr1-169483620-A-T.
Identifiers: ClinVar variation 737691 (VCV000737691.8), dbSNP rs368496361, ClinGen allele CA1233195.
Genomic context (GRCh38, chr1:169,514,382, plus strand): 5'-ATCACAGCCAAAGAGTTCCAGGCGAAGTGCAATACTTTGATTCCATGTTTTAGGAATGAC[A>T]CGGATAAACCTGGAAATGATTGGGGGGTTGAAAAAGTTCTTCACATGTCCTTTGGTATTA-3'
Protein context (NP_000121.2, residues 2192-2212): FNPPIISRFI[Arg2202=]VIPKTWNQSI

ClinVar aggregate classification (germline): Likely benign. Review status: criteria provided, single submitter (1 of 4 stars). 2 submissions from 2 submitters: Likely benign (1). 1 of the submissions does not count toward it. Last evaluated 2026-01-16.

Conditions:
F5-related disorder. Also called: F5-related condition.
Congenital factor V deficiency. Also called: PARAHEMOPHILIA; LABILE FACTOR DEFICIENCY; OWREN PARAHEMOPHILIA; Hereditary factor V deficiency disease. Identifiers: Orphanet 326, MedGen C0015499, MONDO:0009210, OMIM 227400.

Allele frequency attached by ClinVar (database versions not stated): gnomAD 0.00001; gnomAD exomes 0.00003; TOPMed 0.00004; ExAC 0.00007; 1000 Genomes Project 30x 0.00016; 1000 Genomes Project 0.00020.

Submissions (2):

Labcorp Genetics (formerly Invitae), Labcorp
Classification: Likely benign for Congenital factor V deficiency. Last evaluated: 2026-01-16. Review status: criteria provided, single submitter. Criteria: Invitae Variant Classification Sherloc (09022015). Collection method: clinical testing. Allele origin: germline.

PreventionGenetics, part of Exact Sciences
Classification: Likely benign for F5-related condition. Last evaluated: 2019-10-15. Review status: no assertion criteria provided. Collection method: clinical testing. Allele origin: germline. Not counted in ClinVar's aggregate classification.
Comment: This variant is classified as likely benign based on ACMG/AMP sequence variant interpretation guidelines (Richards et al. 2015 PMID: 25741868, with internal and published modifications).